The following is an entry in ClinVar:

NM_006204.4(PDE6C):c.2435G>A (p.Trp812Ter)

Gene: PDE6C (phosphodiesterase 6C; plus strand). Cytogenetic location: 10q23.33.
Variant type: single nucleotide variant.
Coding change: c.2435G>A on transcript NM_006204.4 (MANE Select); coding-DNA position 2435, G replaced by A.
Protein change: p.Trp812Ter; replaces tryptophan 812 with a stop codon.
Molecular consequence: nonsense.
Genome position (GRCh38, 1-based): chr10:93,663,095, G>A. VCF-style: chr10-93663095-G-A. GRCh37 (hg19) VCF-style: chr10-95422852-G-A.
Other names: short protein forms W812*.
Identifiers: ClinVar variation 1373411 (VCV001373411.7), dbSNP rs1180015498, ClinGen allele CA377629336.

ClinVar aggregate classification (germline): Pathogenic/Likely pathogenic. Review status: criteria provided, multiple submitters, no conflicts (2 of 4 stars). 2 submissions from 2 submitters: Pathogenic (1); Likely pathogenic (1). Last evaluated 2023-03-29.

Conditions:
PDE6C-related disorder. Also called: PDE6C-related condition.

Allele frequency attached by ClinVar (database versions not stated): gnomAD exomes below 0.00001.
gnomAD v4.1: 3 of 1,613,520 alleles (0.00019%); highest among the groups gnomAD compares: Admixed American, 0.0017%; no homozygotes.

Submissions (2):

Blueprint Genetics
Classification: Likely pathogenic for PDE6C-related disorders. Last evaluated: 2023-03-29. Review status: criteria provided, single submitter. Criteria: ACMG Guidelines, 2015. Collection method: clinical testing. Allele origin: germline. Affected: yes. Observed: 2 variant alleles.

Labcorp Genetics (formerly Invitae), Labcorp
Classification: Pathogenic. Last evaluated: 2021-11-03. Review status: criteria provided, single submitter. Criteria: Invitae Variant Classification Sherloc (09022015). Collection method: clinical testing. Allele origin: germline.
Comment: This sequence change creates a premature translational stop signal (p.Trp812*) in the PDE6C gene. It is expected to result in an absent or disrupted protein product. Loss-of-function variants in PDE6C are known to be pathogenic (PMID: 19887631, 23776498, 26103963, 30080950). For these reasons, this variant has been classified as Pathogenic. This variant has not been reported in the literature in individuals affected with PDE6C-related conditions. This variant is present in population databases (rs549809293, gnomAD 0.003%).

Literature cited by the submitters: PubMed 19887631 (cited by Labcorp Genetics (formerly Invitae), Labcorp); PubMed 23776498 (cited by Labcorp Genetics (formerly Invitae), Labcorp); PubMed 26103963 (cited by Labcorp Genetics (formerly Invitae), Labcorp); PubMed 30080950 (cited by Labcorp Genetics (formerly Invitae), Labcorp).